The following is an entry in ClinVar:

NM_003361.4(UMOD):c.865+5G>A

Gene: UMOD (uromodulin; minus strand). Cytogenetic location: 16p12.3.
Variant type: single nucleotide variant.
Coding change: c.865+5G>A on transcript NM_003361.4 (MANE Select); 5 bases into the intron after coding-DNA position 865, G replaced by A.
Molecular consequence: intron variant.
Genome position (GRCh38, 1-based): chr16:20,348,431, C>T on the plus strand (G>A on the coding strand, the complement: UMOD is on the minus strand). VCF-style: chr16-20348431-C-T. GRCh37 (hg19) VCF-style: chr16-20359753-C-T.
Other names: c.865+5G>A (NM_001008389.3, NM_001378234.1, NM_001378235.1 and 3 more transcripts); c.964+5G>A (NM_001278614.2).
Identifiers: ClinVar variation 2161324 (VCV002161324.4), dbSNP rs963858389, ClinGen allele CA279299504.

ClinVar aggregate classification (germline): Uncertain significance (1 of 4 stars; one submission).

Allele frequency attached by ClinVar (database versions not stated): gnomAD 0.00003; TOPMed 0.00006.
gnomAD v4.1: 10 of 1,613,868 alleles (0.00062%); highest among the groups gnomAD compares: African/African-American, 0.011%; no homozygotes.

Submission:

Labcorp Genetics (formerly Invitae), Labcorp
Classification: Uncertain significance. Last evaluated: 2022-01-18. Review status: criteria provided, single submitter. Criteria: Invitae Variant Classification Sherloc (09022015). Collection method: clinical testing. Allele origin: germline.
Comment: In summary, the available evidence is currently insufficient to determine the role of this variant in disease. Therefore, it has been classified as a Variant of Uncertain Significance. Variants that disrupt the consensus splice site are a relatively common cause of aberrant splicing (PMID: 17576681, 9536098). Algorithms developed to predict the effect of sequence changes on RNA splicing suggest that this variant may disrupt the consensus splice site. This variant has not been reported in the literature in individuals affected with UMOD-related conditions. This variant is not present in population databases (gnomAD no frequency). This sequence change falls in intron 3 of the UMOD gene. It does not directly change the encoded amino acid sequence of the UMOD protein. It affects a nucleotide within the consensus splice site.

Literature cited by the submitters: PubMed 17576681; PubMed 9536098.